The following is an entry in ClinVar:

ClinVar aggregate classification (germline): Uncertain significance (1 of 4 stars; one submission).

Conditions:
Microcephaly, normal intelligence and immunodeficiency (NBS). Also called: SEEMANOVA SYNDROME II; IMMUNODEFICIENCY, MICROCEPHALY, AND CHROMOSOMAL INSTABILITY; Nijmegen breakage syndrome; Microcephaly with normal intelligence immunodeficiency and lymphoreticular malignancies; Nonsyndromal microcephaly autosomal recessive with normal intelligence; Seemanova syndrome 2. Identifiers: Orphanet 647, MedGen C0398791, MONDO:0009623, OMIM 251260.

Submission:

Labcorp Genetics (formerly Invitae), Labcorp
Classification: Uncertain significance for Microcephaly, normal intelligence and immunodeficiency. Last evaluated: 2022-12-24. Review status: criteria provided, single submitter. Criteria: Invitae Variant Classification Sherloc (09022015). Collection method: clinical testing. Allele origin: germline.
Comment: Algorithms developed to predict the effect of sequence changes on RNA splicing suggest that this variant may disrupt the consensus splice site. In summary, the available evidence is currently insufficient to determine the role of this variant in disease. Therefore, it has been classified as a Variant of Uncertain Significance. Algorithms developed to predict the effect of missense changes on protein structure and function are either unavailable or do not agree on the potential impact of this missense change (SIFT: "Deleterious"; PolyPhen-2: "Benign"; Align-GVGD: "Class C0"). This variant has not been reported in the literature in individuals affected with NBN-related conditions. This variant is not present in population databases (gnomAD no frequency). This sequence change replaces cysteine, which is neutral and slightly polar, with glycine, which is neutral and non-polar, at codon 119 of the NBN protein (p.Cys119Gly).

NM_002485.5(NBN):c.355T>G (p.Cys119Gly)

Gene: NBN (nibrin; minus strand). Cytogenetic location: 8q21.3.
Variant type: single nucleotide variant.
Coding change: c.355T>G on transcript NM_002485.5 (MANE Select); coding-DNA position 355, T replaced by G.
Protein change: p.Cys119Gly; replaces cysteine 119 with glycine.
Molecular consequence: missense variant.
Genome position (GRCh38, 1-based): chr8:89,980,859, A>C on the plus strand (T>G on the coding strand, the complement: NBN is on the minus strand). VCF-style: chr8-89980859-A-C. GRCh37 (hg19) VCF-style: chr8-90993087-A-C.
Other names: c.109T>G, p.Cys37Gly (NM_001024688.3); short protein forms C37G, C119G.
Identifiers: ClinVar variation 2823727 (VCV002823727.3), dbSNP rs2488356947, ClinGen allele CA371662098.